The following is an entry in ClinVar:

ClinVar aggregate classification (germline): Likely pathogenic (1 of 4 stars; one submission).

Conditions:
Primary ciliary dyskinesia. Also called: Ciliary dyskinesia. Identifiers: Orphanet 244, MedGen C0008780, MONDO:0016575, HP:0012265.

Submission:

Natera, Inc.
Classification: Likely pathogenic for Primary ciliary dyskinesia. Last evaluated: 2024-08-20. Review status: criteria provided, single submitter. Criteria: Natera Variant Classification Schema (03/2026). Collection method: clinical testing. Allele origin: germline.
Comment: The c.7960_7961delGT variant in DNAH5 is a frameshift variant predicted to shift the reading frame beginning at codon 2654 and leads to a stop codon 3 codons downstream. This variant is expected to result in nonsense mediated decay, truncation, or a dysfunctional protein product. This variant is rare in the general population with a frequency below the threshold expected for the associated phenotype(s). Given the available evidence, this variant is classified as Likely Pathogenic.

NM_001369.3(DNAH5):c.7960_7961del (p.Val2654fs)

Gene: DNAH5 (dynein axonemal heavy chain 5; minus strand). Cytogenetic location: 5p15.2.
Variant type: Deletion.
Coding change: c.7960_7961del on transcript NM_001369.3 (MANE Select); coding-DNA positions 7960 to 7961, 2 bases deleted (GT; older notation c.7960_7961delGT).
Protein change: p.Val2654fs; shifts the reading frame from valine 2654.
Molecular consequence: frameshift variant.
Genome position (GRCh38, 1-based): chr5:13,793,985-13,793,986, AC deleted on the plus strand (GT on the coding strand, the reverse complement: DNAH5 is on the minus strand); deleting any 2 consecutive bases within chr5:13,793,985-13,793,987 gives the same sequence; the c. name uses the placement nearest the transcript's 3' end. VCF-style (leftmost placement, unchanged base first): chr5-13793984-AAC-A. GRCh37 (hg19) VCF-style: chr5-13794093-AAC-A.
Other names: short protein forms V2654fs.
Identifiers: ClinVar variation 4814914 (VCV004814914.1).